The following is an entry in ClinVar:

NM_001042413.2(GLIS3):c.481C>A (p.Leu161Met)

Gene: GLIS3 (GLIS family zinc finger 3; minus strand). Cytogenetic location: 9p24.2.
Variant type: single nucleotide variant.
Coding change: c.481C>A on transcript NM_001042413.2 (MANE Select); coding-DNA position 481, C replaced by A.
Protein change: p.Leu161Met; replaces leucine 161 with methionine.
Molecular consequence: missense variant.
Genome position (GRCh38, 1-based): chr9:4,125,849, G>T on the plus strand (C>A on the coding strand, the complement: GLIS3 is on the minus strand). VCF-style: chr9-4125849-G-T. GRCh37 (hg19) VCF-style: chr9-4125849-G-T.
Other names: c.16C>A, p.Leu6Met (NM_152629.4); c.481C>A (NM_001042413.1); short protein forms L161M, L6M.
Identifiers: ClinVar variation 3597443 (VCV003597443.2).

ClinVar aggregate classification (germline): Conflicting classifications of pathogenicity. Review status: criteria provided, conflicting classifications (1 of 4 stars). 2 submissions from 2 submitters: Uncertain significance (1); Likely benign (1). Last evaluated 2026-02-14.

Conditions:
GLIS3-related disorder. Also called: GLIS3-related condition.
Neonatal diabetes mellitus with congenital hypothyroidism. Also called: NDH SYNDROME. Identifiers: Orphanet 79118, MedGen C1857775, MONDO:0012436, OMIM 610199.

gnomAD v4.1: 97 of 1,613,888 alleles (0.006%); highest among the groups gnomAD compares: African/African-American, 0.12%; no homozygotes.

Submissions (2):

PreventionGenetics, part of Exact Sciences
Classification: Likely benign for GLIS3-related condition. Last evaluated: 2026-02-14. Review status: criteria provided, single submitter. Criteria: ACMG Guidelines, 2015. Collection method: clinical testing. Allele origin: germline.
Comment: This variant is classified as likely benign based on ACMG/AMP sequence variant interpretation guidelines (Richards et al. 2015 PMID: 25741868, with internal and published modifications).

Fulgent Genetics
Classification: Uncertain significance for Neonatal diabetes mellitus with congenital hypothyroidism. Last evaluated: 2024-04-22. Review status: criteria provided, single submitter. Criteria: ACMG Guidelines, 2015. Collection method: clinical testing. Allele origin: germline.